The following is an entry in ClinVar:

ClinVar aggregate classification (germline): Pathogenic. Review status: criteria provided, multiple submitters, no conflicts (2 of 4 stars). 2 submissions from 2 submitters: Pathogenic (2). Last evaluated 2025-05-02.

Submissions (2):

GeneDx
Classification: Pathogenic. Last evaluated: 2025-05-02. Review status: criteria provided, single submitter. Criteria: GeneDx Variant Classification Process June 2021. Collection method: clinical testing. Allele origin: germline.
Comment: Not observed at significant frequency in large population cohorts (gnomAD); In silico analysis supports that this missense variant has a deleterious effect on protein structure/function; This variant is associated with the following publications: (PMID: 40048676, 33060286)

CeGaT Center for Human Genetics Tuebingen
Classification: Pathogenic. Last evaluated: 2024-11-01. Review status: criteria provided, single submitter. Criteria: CeGaT Center For Human Genetics Tuebingen Variant Classification Criteria Version 2. Collection method: clinical testing. Allele origin: germline. Affected: yes. Observed: 1 variant allele.
Comment: NALCN: PS2, PM2, PM5, PP3, PS4:Supporting

NM_052867.4(NALCN):c.1745A>G (p.Tyr582Cys)

Gene: NALCN (sodium leak channel, non-selective; minus strand). Cytogenetic location: 13q33.1.
Variant type: single nucleotide variant.
Coding change: c.1745A>G on transcript NM_052867.4 (MANE Select); coding-DNA position 1745, A replaced by G.
Protein change: p.Tyr582Cys; replaces tyrosine 582 with cysteine.
Molecular consequence: missense variant.
Genome position (GRCh38, 1-based): chr13:101,191,936, T>C on the plus strand (A>G on the coding strand, the complement: NALCN is on the minus strand). VCF-style: chr13-101191936-T-C. GRCh37 (hg19) VCF-style: chr13-101844287-T-C.
Other names: c.1745A>G, p.Tyr582Cys (NM_001350748.2, NM_001350749.2); c.1658A>G, p.Tyr553Cys (NM_001350750.2, NM_001350751.2); short protein forms Y553C, Y582C.
Identifiers: ClinVar variation 2576683 (VCV002576683.16), dbSNP rs1555309004, ClinGen allele CA388703398.